The following is an entry in ClinVar:

ClinVar aggregate classification (germline): Benign/Likely benign. Review status: criteria provided, multiple submitters, no conflicts (2 of 4 stars). 4 submissions from 4 submitters: Benign (1); Likely benign (3). Last evaluated 2026-01-04.

Conditions:
Breast-ovarian cancer, familial, susceptibility to, 4. Identifiers: Orphanet 145, MedGen C3280345, MONDO:0013669, OMIM 614291.
Hereditary cancer-predisposing syndrome. Also called: Neoplastic Syndromes, Hereditary; Tumor predisposition; Hereditary Cancer Syndrome; Hereditary neoplastic syndrome. Identifiers: Orphanet 140162, MedGen C0027672, MeSH D009386, MONDO:0015356.

Allele frequency attached by ClinVar (database versions not stated): gnomAD exomes below 0.00001 and 0.00001; gnomAD 0.00001; ExAC 0.00002; ESP Exome Variant Server 0.00008.

Submissions (4):

Labcorp Genetics (formerly Invitae), Labcorp
Classification: Likely benign for Breast-ovarian cancer, familial, susceptibility to, 4. Last evaluated: 2026-01-04. Review status: criteria provided, single submitter. Criteria: Invitae Variant Classification Sherloc (09022015). Collection method: clinical testing. Allele origin: germline.

Myriad Genetics, Inc.
Classification: Benign for Breast-ovarian cancer, familial, susceptibility to, 4. Last evaluated: 2025-02-25. Review status: criteria provided, single submitter. Criteria: Myriad Autosomal Dominant, Autosomal Recessive and X-Linked Classification Criteria (2023). Collection method: clinical testing. Allele origin: unknown.
Comment: This variant is considered benign. This variant is a silent/synonymous amino acid change and it is not expected to impact splicing.

Sema4
Classification: Likely benign for Hereditary cancer-predisposing syndrome. Last evaluated: 2021-06-27. Review status: criteria provided, single submitter. Criteria: Sema4 Curation Guidelines. Collection method: curation. Allele origin: germline.

Ambry Genetics
Classification: Likely benign for Hereditary cancer-predisposing syndrome. Last evaluated: 2015-03-23. Review status: criteria provided, single submitter. Criteria: Ambry Variant Classification Scheme 2023. Collection method: clinical testing. Allele origin: germline.

NM_002878.4(RAD51D):c.945G>A (p.Gly315=)

Genes: RAD51L3-RFFL (RAD51L3-RFFL readthrough; minus strand), RAD51D (RAD51 paralog D; minus strand). Cytogenetic location: 17q12.
Variant type: single nucleotide variant.
Coding change: c.945G>A on transcript NM_002878.4 (MANE Select); coding-DNA position 945, G replaced by A.
Protein change: p.Gly315=; no amino-acid change (glycine 315 retained).
Molecular consequence: synonymous variant. On other transcripts: non-coding transcript variant (2).
Genome position (GRCh38, 1-based): chr17:35,100,995, C>T on the plus strand (G>A on the coding strand, the complement: RAD51D is on the minus strand). VCF-style: chr17-35100995-C-T. GRCh37 (hg19) VCF-style: chr17-33428014-C-T.
Other names: c.1005G>A, p.Gly335= (NM_001142571.2); c.609G>A, p.Gly203= (NM_133629.3).
Identifiers: ClinVar variation 231010 (VCV000231010.14), dbSNP rs142316409, ClinGen allele CA8499306.